The following is an entry in ClinVar:

ClinVar aggregate classification (germline): Uncertain significance (1 of 4 stars; one submission).

gnomAD v4.1: 8 of 1,614,070 alleles (0.0005%); highest among the groups gnomAD compares: Non-Finnish European, 0.00068%; no homozygotes.

Submission:

Labcorp Genetics (formerly Invitae), Labcorp
Classification: Uncertain significance. Last evaluated: 2025-10-31. Review status: criteria provided, single submitter. Criteria: Invitae Variant Classification Sherloc (09022015). Collection method: clinical testing. Allele origin: germline.
Comment: This sequence change replaces glutamic acid, which is acidic and polar, with valine, which is neutral and non-polar, at codon 95 of the FN1 protein (p.Glu95Val). This variant is present in population databases (rs767479986, gnomAD 0.0009%). This variant has not been reported in the literature in individuals affected with FN1-related conditions. ClinVar contains an entry for this variant (Variation ID: 3688791). An algorithm developed to predict the effect of missense changes on protein structure and function (PolyPhen-2) suggests that this variant is likely to be disruptive. In summary, the available evidence is currently insufficient to determine the role of this variant in disease. Therefore, it has been classified as a Variant of Uncertain Significance.

NM_212482.4(FN1):c.284A>T (p.Glu95Val)

Genes: FN1 (fibronectin 1; minus strand), LOC126806499 (CDK7 strongly-dependent group 2 enhancer GRCh37_chr2:216298103-216299302; plus strand). Cytogenetic location: 2q35.
Variant type: single nucleotide variant.
Coding change: c.284A>T on transcript NM_212482.4 (MANE Select); coding-DNA position 284, A replaced by T.
Protein change: p.Glu95Val; replaces glutamic acid 95 with valine.
Molecular consequence: missense variant.
Genome position (GRCh38, 1-based): chr2:215,433,455, T>A on the plus strand (A>T on the coding strand, the complement: FN1 is on the minus strand). VCF-style: chr2-215433455-T-A. GRCh37 (hg19) VCF-style: chr2-216298178-T-A.
Other names: c.284A>T, p.Glu95Val (NM_001365521.2, NM_001365522.2, NM_001365523.2 and 14 more transcripts); short protein forms E95V.
Identifiers: ClinVar variation 3688791 (VCV003688791.2).